The following is an entry in ClinVar:

NM_005529.7(HSPG2):c.8545G>T (p.Val2849Leu)

Gene: HSPG2 (heparan sulfate proteoglycan 2; minus strand). Cytogenetic location: 1p36.12.
Variant type: single nucleotide variant.
Coding change: c.8545G>T on transcript NM_005529.7 (MANE Select); coding-DNA position 8545, G replaced by T.
Protein change: p.Val2849Leu; replaces valine 2849 with leucine.
Molecular consequence: missense variant.
Genome position (GRCh38, 1-based): chr1:21,844,219, C>A on the plus strand (G>T on the coding strand, the complement: HSPG2 is on the minus strand). VCF-style: chr1-21844219-C-A. GRCh37 (hg19) VCF-style: chr1-22170712-C-A.
Other names: c.8548G>T, p.Val2850Leu (NM_001291860.2); short protein forms V2849L, V2850L.
Identifiers: ClinVar variation 289068 (VCV000289068.59), dbSNP rs147114700, ClinGen allele CA670744.

ClinVar aggregate classification (germline): Benign/Likely benign. Review status: criteria provided, multiple submitters, no conflicts (2 of 4 stars). 14 submissions from 13 submitters: Benign (3); Likely benign (7). 4 of the submissions do not count toward it. Last evaluated 2026-09-01.

Conditions:
Connective tissue disorder. Also called: Connective tissue disease. Identifiers: MedGen C0009782, MONDO:0003900.
Lethal Kniest-like syndrome (DDSH). Also called: Dyssegmental Dysplasia. Identifiers: Orphanet 1865, MedGen C1857100, MONDO:0009140, OMIM 224410.
Schwartz-Jampel syndrome. Also called: Myotonic myopathy dwarfism chondrodystrophy and ocular and facial abnormalities. Identifiers: Orphanet 800, MedGen C0036391, MONDO:0009717.
HSPG2-related disorder. Also called: HSPG2-related condition; HSPG2-related disorders.

Allele frequency attached by ClinVar (database versions not stated): 1000 Genomes Project 30x 0.00109; 1000 Genomes Project 0.00120; TOPMed 0.00348; ESP Exome Variant Server 0.00384.
gnomAD v4.1: 6,560 of 1,613,842 alleles (0.41%); highest among the groups gnomAD compares: Non-Finnish European, 0.5%; 24 homozygotes.

Submissions (14):

CeGaT Center for Human Genetics Tuebingen
Classification: Likely benign. Last evaluated: 2026-09-01. Review status: criteria provided, single submitter. Criteria: CeGaT Center For Human Genetics Tuebingen Variant Classification Criteria Version 2. Collection method: clinical testing. Allele origin: germline. Affected: yes. Observed: 7 variant alleles.
Comment: HSPG2: BP4, BS2

Labcorp Genetics (formerly Invitae), Labcorp
Classification: Benign. Last evaluated: 2026-01-11. Review status: criteria provided, single submitter. Criteria: Invitae Variant Classification Sherloc (09022015). Collection method: clinical testing. Allele origin: germline.

Athena Diagnostics
Classification: Benign. Last evaluated: 2025-02-18. Review status: criteria provided, single submitter. Criteria: Athena Diagnostics Criteria. Collection method: clinical testing. Allele origin: unknown.
Comment: The frequency of this variant in the general population is higher than would generally be expected for pathogenic variants in this gene. This variant has been seen where an alternate explanation for disease was also identified.

GeneDx
Classification: Likely benign. Last evaluated: 2020-12-24. Review status: criteria provided, single submitter. Criteria: GeneDx Variant Classification Process June 2021. Collection method: clinical testing. Allele origin: germline. Affected: yes.

Genome Diagnostics Laboratory, The Hospital for Sick Children
Classification: Likely benign for Connective tissue disorder. Last evaluated: 2020-08-04. Review status: criteria provided, single submitter. Criteria: ACMG Guidelines, 2015. Collection method: clinical testing. Allele origin: germline.

ARUP Laboratories, Molecular Genetics and Genomics, ARUP Laboratories
Classification: Benign. Last evaluated: 2020-01-16. Review status: criteria provided, single submitter. Criteria: ARUP Molecular Germline Variant Investigation Process. Collection method: clinical testing. Allele origin: germline.

Illumina Laboratory Services, Illumina
Classification: Likely benign for Lethal Kniest-like syndrome. Last evaluated: 2018-01-13. Review status: criteria provided, single submitter. Criteria: ICSL Variant Classification Criteria 13 December 2019. Collection method: clinical testing. Allele origin: germline.
Comment: This variant was observed in the ICSL laboratory as part of a predisposition screen in an ostensibly healthy population. It had not been previously curated by ICSL or reported in the Human Gene Mutation Database (HGMD: prior to June 1st, 2018), and was therefore a candidate for classification through an automated scoring system. Utilizing variant allele frequency, disease prevalence and penetrance estimates, and inheritance mode, an automated score was calculated to assess if this variant is too frequent to cause the disease. Based on the score and internal cut-off values, a variant classified as likely benign is not then subjected to further curation. The score for this variant resulted in a classification of likely benign for this disease.

Illumina Laboratory Services, Illumina
Classification: Likely benign for Schwartz-Jampel syndrome type 1. Last evaluated: 2018-01-13. Review status: criteria provided, single submitter. Criteria: ICSL Variant Classification Criteria 13 December 2019. Collection method: clinical testing. Allele origin: germline.
Comment: the same text as in the submission from Illumina Laboratory Services, Illumina above.

Eurofins Ntd Llc (ga)
Classification: Likely benign. Last evaluated: 2016-07-20. Review status: criteria provided, single submitter. Criteria: EGL Classification Definitions 2015. Collection method: clinical testing. Allele origin: germline. Observed: 1 variant allele, 1 heterozygote.

Breakthrough Genomics
Classification: Likely benign. Review status: criteria provided, single submitter. Criteria: ACMG Guidelines, 2015. Collection method: not provided. Allele origin: germline. Inheritance: Autosomal recessive inheritance. Affected: yes.

PreventionGenetics, part of Exact Sciences
Classification: Likely benign for HSPG2-related condition. Last evaluated: 2024-03-11. Review status: no assertion criteria provided. Collection method: clinical testing. Allele origin: germline. Not counted in ClinVar's aggregate classification.
Comment: This variant is classified as likely benign based on ACMG/AMP sequence variant interpretation guidelines (Richards et al. 2015 PMID: 25741868, with internal and published modifications).

Clinical Genetics DNA and cytogenetics Diagnostics Lab, Erasmus MC, Erasmus Medical Center
Classification: Likely benign. Review status: no assertion criteria provided. Collection method: clinical testing. Allele origin: germline. Affected: yes. Study: VKGL Data-share Consensus. Not counted in ClinVar's aggregate classification.

Genome Diagnostics Laboratory, University Medical Center Utrecht
Classification: Likely benign. Review status: no assertion criteria provided. Collection method: clinical testing. Allele origin: germline. Affected: yes. Study: VKGL Data-share Consensus. Not counted in ClinVar's aggregate classification.

Laboratory of Diagnostic Genome Analysis, Leiden University Medical Center (LUMC)
Classification: Likely benign. Review status: no assertion criteria provided. Collection method: clinical testing. Allele origin: germline. Affected: yes. Study: VKGL Data-share Consensus. Not counted in ClinVar's aggregate classification.